The following is an entry in ClinVar:

NM_005045.4(RELN):c.4872A>G (p.Gln1624=)

Gene: RELN (reelin; minus strand). Cytogenetic location: 7q22.1.
Variant type: single nucleotide variant.
Coding change: c.4872A>G on transcript NM_005045.4 (MANE Select); coding-DNA position 4872, A replaced by G.
Protein change: p.Gln1624=; no amino-acid change (glutamine 1624 retained).
Molecular consequence: synonymous variant.
Genome position (GRCh38, 1-based): chr7:103,566,288, T>C on the plus strand (A>G on the coding strand, the complement: RELN is on the minus strand). VCF-style: chr7-103566288-T-C. GRCh37 (hg19) VCF-style: chr7-103206735-T-C.
Other names: c.4872A>G, p.Gln1624= (NM_173054.3).
Identifiers: ClinVar variation 196867 (VCV000196867.24), dbSNP rs149121159, ClinGen allele CA244647.

ClinVar aggregate classification (germline): Conflicting classifications of pathogenicity. Review status: criteria provided, conflicting classifications (1 of 4 stars). 5 submissions from 5 submitters: Uncertain significance (3); Likely benign (1). 1 of the submissions does not count toward it. Last evaluated 2026-01-09.

Conditions:
RELN-related disorder. Also called: RELN-related condition.
Norman-Roberts syndrome (LIS2). Also called: Lissencephaly 2 (Norman-Roberts type). Identifiers: Orphanet 89844, MedGen C0796089, MONDO:0009760, OMIM 257320.
Familial temporal lobe epilepsy 7. Identifiers: Orphanet 101046, MedGen C4225327, MONDO:0014639, OMIM 616436.

Allele frequency attached by ClinVar (database versions not stated): gnomAD exomes 0.00002 and 0.00008; ExAC 0.00010; 1000 Genomes Project 30x 0.00016; 1000 Genomes Project 0.00020; gnomAD 0.00022 and 0.00024; ESP Exome Variant Server 0.00023; TOPMed 0.00026.
gnomAD v4.1: 67 of 1,614,050 alleles (0.0042%); highest among the groups gnomAD compares: African/African-American, 0.077%; no homozygotes.

Submissions (5):

Labcorp Genetics (formerly Invitae), Labcorp
Classification: Likely benign for Familial temporal lobe epilepsy 7; Norman-Roberts syndrome. Last evaluated: 2026-01-09. Review status: criteria provided, single submitter. Criteria: Invitae Variant Classification Sherloc (09022015). Collection method: clinical testing. Allele origin: germline.

GeneDx
Classification: Uncertain significance. Last evaluated: 2020-02-13. Review status: criteria provided, single submitter. Criteria: GeneDx Variant Classification Process June 2021. Collection method: clinical testing. Allele origin: germline. Affected: yes.
Comment: Has not been previously published as pathogenic or benign to our knowledge; In-silico analysis, which includes splice predictors and evolutionary conservation, is inconclusive as to whether the variant alters gene splicing. In the absence of RNA/functional studies, the actual effect of this sequence change is unknown

Genetic Services Laboratory, University of Chicago
Classification: Uncertain significance. Last evaluated: 2015-12-28. Review status: criteria provided, single submitter. Criteria: ACMG Guidelines, 2015. Collection method: clinical testing. Allele origin: germline. Affected: no.

Eurofins Ntd Llc (ga)
Classification: Uncertain significance. Last evaluated: 2014-07-04. Review status: criteria provided, single submitter. Criteria: EGL Classification Definitions 2015. Collection method: clinical testing. Allele origin: germline. Observed: 1 variant allele, 1 heterozygote.

PreventionGenetics, part of Exact Sciences
Classification: Likely benign for RELN-related condition. Last evaluated: 2023-10-26. Review status: no assertion criteria provided. Collection method: clinical testing. Allele origin: germline. Not counted in ClinVar's aggregate classification.
Comment: This variant is classified as likely benign based on ACMG/AMP sequence variant interpretation guidelines (Richards et al. 2015 PMID: 25741868, with internal and published modifications).